The following is an entry in ClinVar:

ClinVar aggregate classification (germline): Uncertain significance (1 of 4 stars; one submission).

gnomAD v4.1: 3 of 1,613,742 alleles (0.00019%); highest among the groups gnomAD compares: Non-Finnish European, 0.00025%; no homozygotes.

Submission:

Labcorp Genetics (formerly Invitae), Labcorp
Classification: Uncertain significance. Last evaluated: 2024-10-05. Review status: criteria provided, single submitter. Criteria: Invitae Variant Classification Sherloc (09022015). Collection method: clinical testing. Allele origin: germline.
Comment: This sequence change replaces lysine, which is basic and polar, with glutamic acid, which is acidic and polar, at codon 1349 of the KMT2E protein (p.Lys1349Glu). This variant is present in population databases (rs753273195, gnomAD 0.0009%). This variant has not been reported in the literature in individuals affected with KMT2E-related conditions. Invitae Evidence Modeling of protein sequence and biophysical properties (such as structural, functional, and spatial information, amino acid conservation, physicochemical variation, residue mobility, and thermodynamic stability) indicates that this missense variant is not expected to disrupt KMT2E protein function with a negative predictive value of 80%. In summary, the available evidence is currently insufficient to determine the role of this variant in disease. Therefore, it has been classified as a Variant of Uncertain Significance.

NM_182931.3(KMT2E):c.4045A>G (p.Lys1349Glu)

Gene: KMT2E (lysine methyltransferase 2E (inactive); plus strand). Cytogenetic location: 7q22.3.
Variant type: single nucleotide variant.
Coding change: c.4045A>G on transcript NM_182931.3 (MANE Select); coding-DNA position 4045, A replaced by G.
Protein change: p.Lys1349Glu; replaces lysine 1349 with glutamic acid.
Molecular consequence: missense variant.
Genome position (GRCh38, 1-based): chr7:105,110,845, A>G. VCF-style: chr7-105110845-A-G. GRCh37 (hg19) VCF-style: chr7-104751292-A-G.
Other names: c.3919A>G, p.Lys1307Glu (NM_001410908.1); c.4045A>G, p.Lys1349Glu (NM_018682.4); short protein forms K1307E, K1349E.
Identifiers: ClinVar variation 3701328 (VCV003701328.2).
Genomic context (GRCh38, chr7:105,110,845, plus strand): 5'-AATCCAGAACCCACAACTACGAATGAATGTCCATCCCCAGATACTTCTCAAAATACTTGT[A>G]AAAGTCCTCCAAAAATGAGCAAGGTAATAACATTGACCTTTCGATGGGTTCCAAAGGACT-3'
Protein context (NP_891847.1, residues 1339-1359): PSPDTSQNTC[Lys1349Glu]SPPKMSKPGS